The following is an entry in ClinVar:

NM_206965.2(FTCD):c.184del (p.Ala62fs)

Gene: FTCD (formimidoyltransferase cyclodeaminase; minus strand). Cytogenetic location: 21q22.3.
Variant type: Deletion.
Coding change: c.184del on transcript NM_206965.2 (MANE Select); coding-DNA position 184, one base deleted (G; older notation c.184delG).
Protein change: p.Ala62fs; shifts the reading frame from alanine 62.
Molecular consequence: frameshift variant.
Genome position (GRCh38, 1-based): chr21:46,154,203, C deleted on the plus strand (G on the coding strand, the reverse complement: FTCD is on the minus strand); the first of 5 consecutive C bases (chr21:46,154,203-46,154,207); deleting any one gives the same sequence. VCF-style (leftmost placement, unchanged base first): chr21-46154202-GC-G. GRCh37 (hg19) VCF-style: chr21-47574116-GC-G.
Other names: c.184del, p.Ala62fs (NM_001320412.2, NM_006657.3); short protein forms A62fs.
Identifiers: ClinVar variation 2579517 (VCV002579517.3), dbSNP rs776381858, ClinGen allele CA10074030.

ClinVar aggregate classification (germline): Likely pathogenic. Review status: criteria provided, multiple submitters, no conflicts (2 of 4 stars). 2 submissions from 2 submitters: Likely pathogenic (2). Last evaluated 2024-04-18.

Conditions:
Glutamate formiminotransferase deficiency. Also called: Arakawa syndrome 1; Formiminoglutamic aciduria. Identifiers: Orphanet 51208, MedGen C0268609, MONDO:0009240, OMIM 229100.

Submissions (2):

Fulgent Genetics
Classification: Likely pathogenic for Glutamate formiminotransferase deficiency. Last evaluated: 2024-04-18. Review status: criteria provided, single submitter. Criteria: ACMG Guidelines, 2015. Collection method: clinical testing. Allele origin: germline.

GeneDx
Classification: Likely pathogenic. Last evaluated: 2023-08-11. Review status: criteria provided, single submitter. Criteria: GeneDx Variant Classification Process June 2021. Collection method: clinical testing. Allele origin: germline. Affected: yes.
Comment: Frameshift variant predicted to result in protein truncation or nonsense mediated decay in a gene for which loss-of-function is a known mechanism of disease; Not observed at a significant frequency in large population cohorts (gnomAD); Has not been previously published as pathogenic or benign to our knowledge